The following is an entry in ClinVar:

NM_000528.4(MAN2B1):c.1541T>C (p.Val514Ala)

Gene: MAN2B1 (mannosidase alpha class 2B member 1; minus strand). Cytogenetic location: 19p13.13.
Variant type: single nucleotide variant.
Coding change: c.1541T>C on transcript NM_000528.4 (MANE Select); coding-DNA position 1541, T replaced by C.
Protein change: p.Val514Ala; replaces valine 514 with alanine.
Molecular consequence: missense variant.
Genome position (GRCh38, 1-based): chr19:12,656,674, A>G on the plus strand (T>C on the coding strand, the complement: MAN2B1 is on the minus strand). VCF-style: chr19-12656674-A-G. GRCh37 (hg19) VCF-style: chr19-12767488-A-G.
Other names: c.1538T>C, p.Val513Ala (NM_001173498.2); short protein forms V513A, V514A.
Identifiers: ClinVar variation 1516517 (VCV001516517.6), dbSNP rs1599349485, ClinGen allele CA404245876.

ClinVar aggregate classification (germline): Uncertain significance (1 of 4 stars; one submission).

Conditions:
Deficiency of alpha-mannosidase (MANSA). Also called: Alpha-Mannosidosis; LYSOSOMAL ALPHA-D-MANNOSIDASE DEFICIENCY; Mannosidosis, alpha-, types I and II. Identifiers: Orphanet 61, MedGen C0024748, MONDO:0009561, OMIM 248500.

Allele frequency attached by ClinVar (database versions not stated): TOPMed below 0.00001.

Submission:

Labcorp Genetics (formerly Invitae), Labcorp
Classification: Uncertain significance for Deficiency of alpha-mannosidase. Last evaluated: 2022-11-29. Review status: criteria provided, single submitter. Criteria: Invitae Variant Classification Sherloc (09022015). Collection method: clinical testing. Allele origin: germline.
Comment: Advanced modeling of protein sequence and biophysical properties (such as structural, functional, and spatial information, amino acid conservation, physicochemical variation, residue mobility, and thermodynamic stability) performed at Invitae indicates that this missense variant is not expected to disrupt MAN2B1 protein function. In summary, the available evidence is currently insufficient to determine the role of this variant in disease. Therefore, it has been classified as a Variant of Uncertain Significance. ClinVar contains an entry for this variant (Variation ID: 1516517). This variant has not been reported in the literature in individuals affected with MAN2B1-related conditions. This variant is not present in population databases (gnomAD no frequency). This sequence change replaces valine, which is neutral and non-polar, with alanine, which is neutral and non-polar, at codon 514 of the MAN2B1 protein (p.Val514Ala).